The following is an entry in ClinVar:

ClinVar aggregate classification (germline): Pathogenic/Likely pathogenic. Review status: criteria provided, multiple submitters, no conflicts (2 of 4 stars). 3 submissions from 3 submitters: Pathogenic (2); Likely pathogenic (1). Last evaluated 2024-10-23.

Conditions:
Glycine encephalopathy 1 (GCE1). Identifiers: MedGen CN376801, MONDO:0958179, OMIM 605899.
Glycine encephalopathy. Also called: Nonketotic hyperglycinemia; Non-ketotic hyperglycinemia. Identifiers: Orphanet 407, MedGen C0751748, MONDO:0011612, HP:0008288.

Allele frequency attached by ClinVar (database versions not stated): gnomAD exomes below 0.00001; ExAC 0.00001.
gnomAD v4.1: 1 of 1,613,456 alleles (0.000062%); highest among the groups gnomAD compares: South Asian, 0.0011%; no homozygotes.

Submissions (3):

Natera, Inc.
Classification: Likely pathogenic for Non-ketotic hyperglycinemia. Last evaluated: 2024-10-23. Review status: criteria provided, single submitter. Criteria: Natera Variant Classification Schema (03/2026). Collection method: clinical testing. Allele origin: germline.
Comment: The c.2531T>G variant in GLDC is a nonsense variant predicted to introduce a stop codon at amino acid 844. This variant is expected to result in nonsense mediated decay, truncation, or a dysfunctional protein product. This variant is rare in the general population with a frequency below the threshold expected for the associated phenotype(s). Given the available evidence, this variant is classified as Likely Pathogenic.

Daryl Scott Lab, Baylor College of Medicine
Classification: Pathogenic for Glycine encephalopathy 1. Last evaluated: 2024-01-01. Review status: criteria provided, single submitter. Criteria: ACMG Guidelines, 2015. Collection method: clinical testing. Allele origin: paternal. Observed: 1 heterozygote.
Comment: PVS1, PM2

Labcorp Genetics (formerly Invitae), Labcorp
Classification: Pathogenic for Glycine encephalopathy. Last evaluated: 2022-11-28. Review status: criteria provided, single submitter. Criteria: Invitae Variant Classification Sherloc (09022015). Collection method: clinical testing. Allele origin: germline.
Comment: This sequence change creates a premature translational stop signal (p.Leu844*) in the GLDC gene. It is expected to result in an absent or disrupted protein product. Loss-of-function variants in GLDC are known to be pathogenic (PMID: 16601880). This variant is present in population databases (rs770743220, gnomAD 0.003%). This variant has not been reported in the literature in individuals affected with GLDC-related conditions. ClinVar contains an entry for this variant (Variation ID: 849779). For these reasons, this variant has been classified as Pathogenic.

Literature cited by the submitters: PubMed 16601880 (cited by Labcorp Genetics (formerly Invitae), Labcorp).

NM_000170.3(GLDC):c.2531T>G (p.Leu844Ter)

Gene: GLDC (glycine decarboxylase; minus strand). Cytogenetic location: 9p24.1.
Variant type: single nucleotide variant.
Coding change: c.2531T>G on transcript NM_000170.3 (MANE Select); coding-DNA position 2531, T replaced by G.
Protein change: p.Leu844Ter; replaces leucine 844 with a stop codon.
Molecular consequence: nonsense.
Genome position (GRCh38, 1-based): chr9:6,550,841, A>C on the plus strand (T>G on the coding strand, the complement: GLDC is on the minus strand). VCF-style: chr9-6550841-A-C. GRCh37 (hg19) VCF-style: chr9-6550841-A-C.
Other names: short protein forms L844*.
Identifiers: ClinVar variation 849779 (VCV000849779.14), dbSNP rs770743220, ClinGen allele CA4980183.